The following is an entry in ClinVar:

NM_005546.4(ITK):c.1850A>C (p.Glu617Ala)

Gene: ITK (IL2 inducible T cell kinase; plus strand). Cytogenetic location: 5q33.3.
Variant type: single nucleotide variant.
Coding change: c.1850A>C on transcript NM_005546.4 (MANE Select); coding-DNA position 1850, A replaced by C.
Protein change: p.Glu617Ala; replaces glutamic acid 617 with alanine.
Molecular consequence: missense variant.
Genome position (GRCh38, 1-based): chr5:157,252,665, A>C. VCF-style: chr5-157252665-A-C. GRCh37 (hg19) VCF-style: chr5-156679675-A-C.
Other names: short protein forms E617A.
Identifiers: ClinVar variation 2849202 (VCV002849202.3), dbSNP rs2532164855, ClinGen allele CA361964375.

ClinVar aggregate classification (germline): Uncertain significance (1 of 4 stars; one submission).

Conditions:
Lymphoproliferative syndrome 1 (LPFS1). Identifiers: Orphanet 238505, Orphanet 538963, MedGen C3552634, MONDO:0013081, OMIM 613011.

Submission:

Labcorp Genetics (formerly Invitae), Labcorp
Classification: Uncertain significance for Lymphoproliferative syndrome 1. Last evaluated: 2023-04-06. Review status: criteria provided, single submitter. Criteria: Invitae Variant Classification Sherloc (09022015). Collection method: clinical testing. Allele origin: germline.
Comment: This sequence change replaces glutamic acid, which is acidic and polar, with alanine, which is neutral and non-polar, at codon 617 of the ITK protein (p.Glu617Ala). This variant is not present in population databases (gnomAD no frequency). This variant has not been reported in the literature in individuals affected with ITK-related conditions. Advanced modeling of protein sequence and biophysical properties (such as structural, functional, and spatial information, amino acid conservation, physicochemical variation, residue mobility, and thermodynamic stability) performed at Invitae indicates that this missense variant is not expected to disrupt ITK protein function. In summary, the available evidence is currently insufficient to determine the role of this variant in disease. Therefore, it has been classified as a Variant of Uncertain Significance.